The following is an entry in ClinVar:

ClinVar aggregate classification (germline): Benign/Likely benign. Review status: criteria provided, multiple submitters, no conflicts (2 of 4 stars). 5 submissions from 5 submitters: Benign (2); Likely benign (3). Last evaluated 2026-01-11.

Conditions:
WDR1-related disorder. Also called: WDR1-related condition.

Allele frequency attached by ClinVar (database versions not stated): gnomAD exomes 0.00027 and 0.00047; ExAC 0.00092; ESP Exome Variant Server 0.00130; gnomAD 0.00148 and 0.00159; TOPMed 0.00175; 1000 Genomes Project 0.00180; 1000 Genomes Project 30x 0.00203.
gnomAD v4.1: 621 of 1,551,492 alleles (0.04%); highest among the groups gnomAD compares: African/African-American, 0.57%; no homozygotes.

Submissions (8):

Labcorp Genetics (formerly Invitae), Labcorp
Classification: Benign. Last evaluated: 2026-01-11. Review status: criteria provided, single submitter. Criteria: Invitae Variant Classification Sherloc (09022015). Collection method: clinical testing. Allele origin: germline.

Mayo Clinic Laboratories, Mayo Clinic
Classification: Likely benign. Last evaluated: 2025-06-24. Review status: criteria provided, single submitter. Criteria: ACMG Guidelines, 2015. Collection method: clinical testing. Allele origin: germline. Observed: 1 variant allele.
Comment: BP4, BP7

PreventionGenetics, part of Exact Sciences
Classification: Likely benign for WDR1-related condition. Last evaluated: 2024-11-20. Review status: criteria provided, single submitter. Criteria: ACMG Guidelines, 2015. Collection method: clinical testing. Allele origin: germline.
Comment: This variant is classified as likely benign based on ACMG/AMP sequence variant interpretation guidelines (Richards et al. 2015 PMID: 25741868, with internal and published modifications).

Blueprint Genetics
Classification: Likely benign. Last evaluated: 2024-11-06. Review status: criteria provided, single submitter. Criteria: ACMG Guidelines, 2015. Collection method: clinical testing. Allele origin: germline.

Breakthrough Genomics
Classification: Benign. Review status: criteria provided, single submitter. Criteria: ACMG Guidelines, 2015. Collection method: not provided. Allele origin: germline. Inheritance: Autosomal recessive inheritance. Affected: yes.

Dr. Peter K. Rogan Lab, Western University
No classification provided (evidence only). Condition: Lung cancer. Review status: no classification provided. Collection method: in vitro. Allele origin: not applicable. Functional consequence: retained intron. Not counted in ClinVar's aggregate classification.

Dr. Peter K. Rogan Lab, Western University
No classification provided (evidence only). Condition: Uterine corpus endometrial carcinoma. Review status: no classification provided. Collection method: in vitro. Allele origin: not applicable. Functional consequence: retained intron. Not counted in ClinVar's aggregate classification.

Dr. Peter K. Rogan Lab, Western University
No classification provided (evidence only). Condition: Uterine corpus endometrial carcinoma. Review status: no classification provided. Collection method: in vitro. Allele origin: not applicable. Functional consequence: retained intron. Not counted in ClinVar's aggregate classification.

NM_017491.5(WDR1):c.717+10A>T

Gene: WDR1 (WD repeat domain 1; minus strand). Cytogenetic location: 4p16.1.
Variant type: single nucleotide variant.
Coding change: c.717+10A>T on transcript NM_017491.5 (MANE Select); 10 bases into the intron after coding-DNA position 717, A replaced by T.
Molecular consequence: intron variant.
Genome position (GRCh38, 1-based): chr4:10,088,283, T>A on the plus strand (A>T on the coding strand, the complement: WDR1 is on the minus strand). VCF-style: chr4-10088283-T-A. GRCh37 (hg19) VCF-style: chr4-10089907-T-A.
Other names: p.?; c.717+10A>T (NM_017491.3); c.297+10A>T (NM_005112.5).
Identifiers: ClinVar variation 1169660 (VCV001169660.12), dbSNP rs73104520, ClinGen allele CA2857904.